The following is an entry in ClinVar:

NM_057175.5(NAA15):c.1148A>G (p.His383Arg)

Gene: NAA15 (N-alpha-acetyltransferase 15, NatA auxiliary subunit; plus strand). Cytogenetic location: 4q31.1.
Variant type: single nucleotide variant.
Coding change: c.1148A>G on transcript NM_057175.5 (MANE Select); coding-DNA position 1148, A replaced by G.
Protein change: p.His383Arg; replaces histidine 383 with arginine.
Molecular consequence: missense variant.
Genome position (GRCh38, 1-based): chr4:139,357,446, A>G. VCF-style: chr4-139357446-A-G. GRCh37 (hg19) VCF-style: chr4-140278600-A-G.
Other names: c.1148A>G, p.His383Arg (NM_001410842.1, NM_025085.2); c.1148A>G (NM_057175.3); short protein forms H383R.
Identifiers: ClinVar variation 2655100 (VCV002655100.24), dbSNP rs2530411177, ClinGen allele CA358265883.

ClinVar aggregate classification (germline): Uncertain significance. Review status: criteria provided, multiple submitters, no conflicts (2 of 4 stars). 2 submissions from 2 submitters: Uncertain significance (2). Last evaluated 2024-12-11.

Submissions (2):

GeneDx
Classification: Uncertain significance. Last evaluated: 2024-12-11. Review status: criteria provided, single submitter. Criteria: GeneDx Variant Classification Process June 2021. Collection method: clinical testing. Allele origin: germline. Affected: yes.
Comment: Not observed at significant frequency in large population cohorts (gnomAD); In silico analysis supports that this missense variant has a deleterious effect on protein structure/function; Has not been previously published as pathogenic or benign to our knowledge.

CeGaT Center for Human Genetics Tuebingen
Classification: Uncertain significance. Last evaluated: 2024-06-01. Review status: criteria provided, single submitter. Criteria: CeGaT Center For Human Genetics Tuebingen Variant Classification Criteria Version 2. Collection method: clinical testing. Allele origin: germline. Affected: yes. Observed: 1 variant allele.
Comment: NAA15: PM2, PS2:Supporting